The following is an entry in ClinVar:

ClinVar aggregate classification (germline): Uncertain significance. Review status: criteria provided, multiple submitters, no conflicts (2 of 4 stars). 2 submissions from 2 submitters: Uncertain significance (2). Last evaluated 2026-01-26.

Allele frequency attached by ClinVar (database versions not stated): ExAC 0.00001; gnomAD exomes 0.00002 and 0.00008; gnomAD 0.00004; TOPMed 0.00004.

Submissions (2):

Labcorp Genetics (formerly Invitae), Labcorp
Classification: Uncertain significance. Last evaluated: 2026-01-26. Review status: criteria provided, single submitter. Criteria: Invitae Variant Classification Sherloc (09022015). Collection method: clinical testing. Allele origin: germline.
Comment: This sequence change replaces arginine, which is basic and polar, with tryptophan, which is neutral and slightly polar, at codon 540 of the ZNF408 protein (p.Arg540Trp). The frequency data for this variant in the population databases is considered unreliable, as metrics indicate poor data quality at this position in the gnomAD database. This variant has not been reported in the literature in individuals affected with ZNF408-related conditions. ClinVar contains an entry for this variant (Variation ID: 1427449). An algorithm developed to predict the effect of missense changes on protein structure and function outputs the following: PolyPhen-2: "Probably Damaging". The tryptophan amino acid residue is found in multiple mammalian species, which suggests that this missense change does not adversely affect protein function. In summary, the available evidence is currently insufficient to determine the role of this variant in disease. Therefore, it has been classified as a Variant of Uncertain Significance.

Blueprint Genetics
Classification: Uncertain significance. Last evaluated: 2023-12-14. Review status: criteria provided, single submitter. Criteria: ACMG Guidelines, 2015. Collection method: clinical testing. Allele origin: germline.

NM_024741.3(ZNF408):c.1618C>T (p.Arg540Trp)

Gene: ZNF408 (zinc finger protein 408; plus strand). Cytogenetic location: 11p11.2.
Variant type: single nucleotide variant.
Coding change: c.1618C>T on transcript NM_024741.3 (MANE Select); coding-DNA position 1618, C replaced by T.
Protein change: p.Arg540Trp; replaces arginine 540 with tryptophan.
Molecular consequence: missense variant.
Genome position (GRCh38, 1-based): chr11:46,705,318, C>T. VCF-style: chr11-46705318-C-T. GRCh37 (hg19) VCF-style: chr11-46726868-C-T.
Other names: c.1594C>T, p.Arg532Trp (NM_001184751.2); short protein forms R540W, R532W.
Identifiers: ClinVar variation 1427449 (VCV001427449.9), dbSNP rs751136502, ClinGen allele CA5966611.